The following is an entry in ClinVar:

NM_001256545.2(MEGF10):c.1075C>T (p.Leu359Phe)

Gene: MEGF10 (multiple EGF like domains 10; plus strand). Cytogenetic location: 5q23.2.
Variant type: single nucleotide variant.
Coding change: c.1075C>T on transcript NM_001256545.2 (MANE Select); coding-DNA position 1075, C replaced by T.
Protein change: p.Leu359Phe; replaces leucine 359 with phenylalanine.
Molecular consequence: missense variant.
Genome position (GRCh38, 1-based): chr5:127,410,546, C>T. VCF-style: chr5-127410546-C-T. GRCh37 (hg19) VCF-style: chr5-126746238-C-T.
Other names: c.1075C>T, p.Leu359Phe (NM_001308119.2, NM_001308121.2, NM_032446.3); short protein forms L359F.
Identifiers: ClinVar variation 449056 (VCV000449056.4), dbSNP rs754958105, ClinGen allele CA3391475.

ClinVar aggregate classification (germline): Uncertain significance (1 of 4 stars; one submission).

Allele frequency attached by ClinVar (database versions not stated): gnomAD exomes below 0.00001; ExAC 0.00001.
gnomAD v4.1: 2 of 1,612,978 alleles (0.00012%); highest among the groups gnomAD compares: South Asian, 0.0022%; no homozygotes.

Submission:

GeneDx
Classification: Uncertain significance. Last evaluated: 2021-09-20. Review status: criteria provided, single submitter. Criteria: GeneDx Variant Classification Process June 2021. Collection method: clinical testing. Allele origin: germline. Affected: yes.
Comment: Not observed at a significant frequency in large population cohorts (Lek et al., 2016); In silico analysis supports that this missense variant does not alter protein structure/function; Has not been previously published as pathogenic or benign to our knowledge